The following is an entry in ClinVar:

NM_000536.4(RAG2):c.104G>T (p.Gly35Val)

Gene: RAG2 (recombination activating 2; minus strand). Cytogenetic location: 11p12.
Variant type: single nucleotide variant.
Coding change: c.104G>T on transcript NM_000536.4 (MANE Select); coding-DNA position 104, G replaced by T.
Protein change: p.Gly35Val; replaces glycine 35 with valine.
Molecular consequence: missense variant.
Genome position (GRCh38, 1-based): chr11:36,594,065, C>A on the plus strand (G>T on the coding strand, the complement: RAG2 is on the minus strand). VCF-style: chr11-36594065-C-A. GRCh37 (hg19) VCF-style: chr11-36615615-C-A.
Other names: c.104G>T, p.Gly35Val (NM_001243785.2, NM_001243786.2); short protein forms G35V.
Identifiers: ClinVar variation 496618 (VCV000496618.16), dbSNP rs148508754, ClinGen allele CA380144622.

ClinVar aggregate classification (germline): Pathogenic/Likely pathogenic. Review status: criteria provided, multiple submitters, no conflicts (2 of 4 stars). 7 submissions from 7 submitters: Pathogenic (4); Likely pathogenic (3). Last evaluated 2025-09-10.

Conditions:
RAG2-related disorder. Also called: RAG2-related condition.
Severe combined immunodeficiency disease. Also called: Severe combined immunodeficiency; Severe Combined Immune Deficiency. Identifiers: Orphanet 183660, MedGen C0085110, MeSH D016511, MONDO:0015974, HP:0004430. Inheritance: X-Linked or Autosomal recessive.
Combined immunodeficiency with skin granulomas. Identifiers: Orphanet 157949, MedGen C2673536, MONDO:0009306, OMIM 233650.
Severe combined immunodeficiency, autosomal recessive, T cell-negative, B cell-negative, NK cell-positive. Also called: Severe combined immunodeficiency due to complete RAG1/2 deficiency; SCID, T CELL-NEGATIVE, B CELL-NEGATIVE, NK CELL-POSITIVE; SCID, AR, T-cell negative, B-cell negative, NK cell-positive. Identifiers: Orphanet 331206, MedGen C1832322, MONDO:0011086, OMIM 601457.
Histiocytic medullary reticulosis. Also called: SEVERE COMBINED IMMUNODEFICIENCY WITH HYPEREOSINOPHILIA; Omenn syndrome. Identifiers: Orphanet 39041, MedGen C2700553, MONDO:0011338, OMIM 603554.
Inborn error of immunity. Also called: Inborn errors of immunity; Primary immunodeficiency. Identifiers: Orphanet 101997, MedGen C0398686, MONDO:0003778.
Recombinase activating gene 2 deficiency. Also called: RAG2 deficiency. Identifiers: MedGen CN257931, MONDO:0000573.

Allele frequency attached by ClinVar (database versions not stated): TOPMed 0.00001.
gnomAD v4.1: 12 of 1,613,910 alleles (0.00074%); highest among the groups gnomAD compares: Admixed American, 0.0017%; no homozygotes.

Submissions (7):

Genomic Medicine Center of Excellence, King Faisal Specialist Hospital and Research Centre
Classification: Likely pathogenic for Severe combined immunodeficiency, autosomal recessive, T cell-negative, B cell-negative, NK cell-positive. Last evaluated: 2025-09-10. Review status: criteria provided, single submitter. Criteria: ACMG Guidelines, 2015. Collection method: clinical testing. Allele origin: germline.

Natera, Inc.
Classification: Likely pathogenic for Omenn syndrome. Last evaluated: 2025-01-14. Review status: criteria provided, single submitter. Criteria: Natera Variant Classification Schema (03/2026). Collection method: clinical testing. Allele origin: germline.
Comment: The c.104G>T variant in RAG2 is a missense variant predicted to cause substitution of glycine to valine at amino acid 35. This variant is rare in the general population with a frequency below the threshold expected for the associated phenotype(s). This variant has been observed in one or more individuals affected with the associated recessive disease, as either homozygous or compound heterozygous with a second variant (PMID: 33954879, 15025726, 28747913, 28769923). Functional studies show that this variant may disrupt protein function (PMID: 10777560). A different variant at the same position has been determined to be Pathogenic or Likely Pathogenic. Computational prediction algorithms indicate this variant is likely to affect gene or protein function. Given the available evidence, this variant is classified as Likely Pathogenic.

Women's Health and Genetics/Laboratory Corporation of America, LabCorp
Classification: Pathogenic for Severe combined immunodeficiency disease. Last evaluated: 2024-11-13. Review status: criteria provided, single submitter. Criteria: LabCorp Variant Classification Summary - May 2015. Collection method: clinical testing. Allele origin: germline.
Comment: Variant summary: RAG2 c.104G>T (p.Gly35Val) results in a non-conservative amino acid change located in the Galactose oxidase, central domain (IPR011043) of the encoded protein sequence. Five of five in-silico tools predict a damaging effect of the variant on protein function. The variant allele was found at a frequency of 4e-06 in 251316 control chromosomes. c.104G>T has been reported in the literature in multiple homozygous individuals affected with Omenn syndrome or Severe Combined Immunodeficiency (e.g. Tabori_2004). These data indicate that the variant is very likely to be associated with disease. A different variant affecting the same codon has been classified as pathogenic by our lab (c.104G>C, p.Gly35Ala), supporting the critical relevance of codon 35 to RAG2 protein function. The following publication has been ascertained in the context of this evaluation (PMID: 15025726). ClinVar contains an entry for this variant (Variation ID: 496618). Based on the evidence outlined above, the variant was classified as pathogenic.

Labcorp Genetics (formerly Invitae), Labcorp
Classification: Pathogenic for Combined immunodeficiency with skin granulomas; Severe combined immunodeficiency, autosomal recessive, T cell-negative, B cell-negative, NK cell-positive. Last evaluated: 2024-10-29. Review status: criteria provided, single submitter. Criteria: Invitae Variant Classification Sherloc (09022015). Collection method: clinical testing. Allele origin: germline.
Comment: This sequence change replaces glycine, which is neutral and non-polar, with valine, which is neutral and non-polar, at codon 35 of the RAG2 protein (p.Gly35Val). This variant is present in population databases (no rsID available, gnomAD no frequency). This missense change has been observed in individuals with RAG2-related conditions (PMID: 15025726, 30307608). ClinVar contains an entry for this variant (Variation ID: 496618). Invitae Evidence Modeling of protein sequence and biophysical properties (such as structural, functional, and spatial information, amino acid conservation, physicochemical variation, residue mobility, and thermodynamic stability) indicates that this missense variant is expected to disrupt RAG2 protein function with a positive predictive value of 95%. Experimental studies have shown that this missense change affects RAG2 function (PMID: 10777560). For these reasons, this variant has been classified as Pathogenic.

Baylor Genetics
Classification: Pathogenic for Combined immunodeficiency with skin granulomas. Last evaluated: 2023-12-14. Review status: criteria provided, single submitter. Criteria: ACMG Guidelines, 2015. Collection method: clinical testing. Allele origin: unknown.

PreventionGenetics, part of Exact Sciences
Classification: Pathogenic for RAG2-related condition. Last evaluated: 2023-05-10. Review status: criteria provided, single submitter. Criteria: ACMG Guidelines, 2015. Collection method: clinical testing. Allele origin: germline.
Comment: The RAG2 c.104G>T variant is predicted to result in the amino acid substitution p.Gly35Val. This variant has been reported in multiple homozygous individuals with severe combined immunodeficiency (Corneo et al. 2000. PubMed ID: 10777560; Tabori et al. 2004. PubMed ID: 15025726; Meshaal et al. 2018. PubMed ID: 30307608). An in vitro experimental study suggests this variant disrupts the V-D-J recombination process for proper immunological function (Corneo et al. 2000. PubMed ID: 10777560). This variant is reported in one out of 251,316 total alleles in gnomAD. This variant is interpreted as pathogenic.

Pediatric Immunology Service, The Chaim Sheba Medical Center at Tel HaShomer
Classification: Likely pathogenic for RAG2 deficiency; Primary immunodeficiency; Omenn syndrome; Severe combined immunodeficiency due to complete RAG1/2 deficiency. Last evaluated: 2018-03-06. Review status: criteria provided, single submitter. Criteria: ACMG Guidelines, 2015. Collection method: research. Allele origin: germline. Affected: yes.

Literature cited by the submitters: PubMed 33954879 (cited by Natera, Inc.); PubMed 15025726 (cited by 4 submitters); PubMed 28747913 (cited by Natera, Inc.); PubMed 28769923 (cited by Natera, Inc.); PubMed 10777560 (cited by Natera, Inc. and Labcorp Genetics (formerly Invitae), Labcorp); PubMed 30307608 (cited by Labcorp Genetics (formerly Invitae), Labcorp); PubMed 11313270 (cited by Pediatric Immunology Service, The Chaim Sheba Medical Center at Tel HaShomer); PubMed 16960852 (cited by Pediatric Immunology Service, The Chaim Sheba Medical Center at Tel HaShomer); PubMed 23243423 (cited by Pediatric Immunology Service, The Chaim Sheba Medical Center at Tel HaShomer).